The following is an entry in ClinVar:

NM_022124.6(CDH23):c.8722+2T>G

Gene: CDH23 (cadherin related 23; plus strand). Cytogenetic location: 10q22.1.
Variant type: single nucleotide variant.
Coding change: c.8722+2T>G on transcript NM_022124.6 (MANE Select); the canonical splice donor site of the intron after coding-DNA position 8722, T replaced by G.
Molecular consequence: splice donor variant.
Genome position (GRCh38, 1-based): chr10:71,808,009, T>G. VCF-style: chr10-71808009-T-G. GRCh37 (hg19) VCF-style: chr10-73567766-T-G.
Other names: c.2002+2T>G (NM_001171933.1, NM_001171934.1).
Identifiers: ClinVar variation 1496214 (VCV001496214.6), dbSNP rs2132990828, ClinGen allele CA377132866.

ClinVar aggregate classification (germline): Likely pathogenic (1 of 4 stars; one submission).

Submission:

Labcorp Genetics (formerly Invitae), Labcorp
Classification: Likely pathogenic. Last evaluated: 2022-01-07. Review status: criteria provided, single submitter. Criteria: Invitae Variant Classification Sherloc (09022015). Collection method: clinical testing. Allele origin: germline.
Comment: In summary, the currently available evidence indicates that the variant is pathogenic, but additional data are needed to prove that conclusively. Therefore, this variant has been classified as Likely Pathogenic. Algorithms developed to predict the effect of sequence changes on RNA splicing suggest that this variant may disrupt the consensus splice site. This variant has not been reported in the literature in individuals affected with CDH23-related conditions. This variant is not present in population databases (gnomAD no frequency). This sequence change affects a donor splice site in intron 60 of the CDH23 gene. It is expected to disrupt RNA splicing. Variants that disrupt the donor or acceptor splice site typically lead to a loss of protein function (PMID: 16199547), and loss-of-function variants in CDH23 are known to be pathogenic (PMID: 11138009, 21940737).

Literature cited by the submitters: PubMed 16199547; PubMed 11138009; PubMed 21940737.